The following is an entry in ClinVar:

NM_148960.3(CLDN19):c.85C>T (p.Gln29Ter)

Gene: CLDN19 (claudin 19; minus strand). Cytogenetic location: 1p34.2.
Variant type: single nucleotide variant.
Coding change: c.85C>T on transcript NM_148960.3 (MANE Select); coding-DNA position 85, C replaced by T.
Protein change: p.Gln29Ter; replaces glutamine 29 with a stop codon.
Molecular consequence: nonsense.
Genome position (GRCh38, 1-based): chr1:42,739,979, G>A on the plus strand (C>T on the coding strand, the complement: CLDN19 is on the minus strand). VCF-style: chr1-42739979-G-A. GRCh37 (hg19) VCF-style: chr1-43205650-G-A.
Other names: c.85C>T, p.Gln29Ter (NM_001123395.2, NM_001185117.2); short protein forms Q29*.
Identifiers: ClinVar variation 4986109 (VCV004986109.1).

ClinVar aggregate classification (germline): Likely pathogenic (1 of 4 stars; one submission).

Conditions:
CLDN19-related disorder. Also called: CLDN19-related condition.

Submission:

PreventionGenetics, part of Exact Sciences
Classification: Likely pathogenic for CLDN19-related condition. Last evaluated: 2025-10-22. Review status: criteria provided, single submitter. Criteria: ACMG Guidelines, 2015. Collection method: clinical testing. Allele origin: germline.
Comment: The CLDN19 c.85C>T variant is predicted to result in premature protein termination (p.Gln29*). To our knowledge, this variant has not been reported in the literature or in a large population database (gnomAD), indicating this variant is rare. Nonsense variants in CLDN19 are expected to be pathogenic. This variant is interpreted as likely pathogenic.